The following is an entry in ClinVar:

NC_000023.11:g.(?_31819965)_(31932237_?)del

Genes: DMD (dystrophin; minus strand), LOC129391296 (MPRA-validated peak7373 silencer; plus strand). Cytogenetic location: Xp21.1.
Variant type: Deletion.
Identifiers: ClinVar variation 639861 (VCV000639861.2).

ClinVar aggregate classification (germline): Pathogenic (1 of 4 stars; one submission).

Conditions:
Duchenne muscular dystrophy (DMD). Also called: MUSCULAR DYSTROPHY, PSEUDOHYPERTROPHIC PROGRESSIVE, DUCHENNE TYPE; Duchenne Muscular Dystrophy (DMD). Identifiers: Orphanet 98896, MedGen C0013264, MONDO:0010679, OMIM 310200.

Submission:

Labcorp Genetics (formerly Invitae), Labcorp
Classification: Pathogenic for Duchenne muscular dystrophy. Last evaluated: 2019-12-26. Review status: criteria provided, single submitter. Criteria: Invitae Variant Classification Sherloc (09022015). Collection method: clinical testing. Allele origin: germline.
Comment: This variant is an out-of-frame deletion of the genomic region encompassing exons 46-50 of the DMD gene. This creates a premature translational stop signal and is expected to result in an absent or disrupted protein product. Loss-of-function variants, including gross deletions, in DMD are known to be pathogenic. This particular deletion has been reported in the literature in individuals affected with Duchenne or Becker muscular dystrophy (PMID: 22090376, 12324874, 19449031, 18663755). For these reasons, this variant has been classified as Pathogenic.

Literature cited by the submitters: PubMed 12324874; PubMed 19449031; PubMed 18663755; PubMed 22090376.